The following is an entry in ClinVar:

ClinVar aggregate classification (germline): Uncertain significance (1 of 4 stars; one submission).

gnomAD v4.1: 1 of 1,612,176 alleles (0.000062%); highest among the groups gnomAD compares: South Asian, 0.0011%; no homozygotes.

Submission:

Labcorp Genetics (formerly Invitae), Labcorp
Classification: Uncertain significance. Last evaluated: 2022-07-12. Review status: criteria provided, single submitter. Criteria: Invitae Variant Classification Sherloc (09022015). Collection method: clinical testing. Allele origin: germline.
Comment: This variant is present in population databases (rs73385988, gnomAD 0.003%). This sequence change replaces alanine, which is neutral and non-polar, with serine, which is neutral and polar, at codon 2458 of the PCLO protein (p.Ala2458Ser). This variant has not been reported in the literature in individuals affected with PCLO-related conditions. In summary, the available evidence is currently insufficient to determine the role of this variant in disease. Therefore, it has been classified as a Variant of Uncertain Significance. Algorithms developed to predict the effect of missense changes on protein structure and function output the following: SIFT: "Tolerated"; PolyPhen-2: "Not Available"; Align-GVGD: "Class C0". The serine amino acid residue is found in multiple mammalian species, which suggests that this missense change does not adversely affect protein function. ClinVar contains an entry for this variant (Variation ID: 1418154).

NM_033026.6(PCLO):c.7372G>T (p.Ala2458Ser)

Gene: PCLO (piccolo presynaptic cytomatrix protein; minus strand). Cytogenetic location: 7q21.11.
Variant type: single nucleotide variant.
Coding change: c.7372G>T on transcript NM_033026.6 (MANE Select); coding-DNA position 7372, G replaced by T.
Protein change: p.Ala2458Ser; replaces alanine 2458 with serine.
Molecular consequence: missense variant.
Genome position (GRCh38, 1-based): chr7:82,953,581, C>A on the plus strand (G>T on the coding strand, the complement: PCLO is on the minus strand). VCF-style: chr7-82953581-C-A. GRCh37 (hg19) VCF-style: chr7-82582897-C-A.
Other names: c.7372G>T, p.Ala2458Ser (NM_014510.3); short protein forms A2458S.
Identifiers: ClinVar variation 1418154 (VCV001418154.6), dbSNP rs73385988, ClinGen allele CA4320318.
Genomic context (GRCh38, chr7:82,953,581, plus strand): 5'-TTCTTGTAACAGGTAATCCATTACTTCTCAGAACAGCTGTGGTCTCTAGAGTAGTAACAG[C>A]ATCAAACAGAGGTGTAGCTGTAGTCACTGGAGATGCAACTGTTAACTTTTTTTTAGGAAG-3'
Protein context (NP_149015.2, residues 2448-2468): PVTTATPLFD[Ala2458Ser]VTTLETTAVL